The following is an entry in ClinVar:

ClinVar aggregate classification (germline): Uncertain significance (1 of 4 stars; one submission).

Conditions:
Combined malonic and methylmalonic acidemia. Identifiers: Orphanet 289504, MedGen C3280314, MONDO:0013661, OMIM 614265.

Submission:

Labcorp Genetics (formerly Invitae), Labcorp
Classification: Uncertain significance for Combined malonic and methylmalonic acidemia. Last evaluated: 2022-10-05. Review status: criteria provided, single submitter. Criteria: Invitae Variant Classification Sherloc (09022015). Collection method: clinical testing. Allele origin: germline.
Comment: This sequence change replaces alanine, which is neutral and non-polar, with serine, which is neutral and polar, at codon 106 of the ACSF3 protein (p.Ala106Ser). Information on the frequency of this variant in the gnomAD database is not available, as this variant may be reported differently in the database. This variant has not been reported in the literature in individuals affected with ACSF3-related conditions. ClinVar contains an entry for this variant (Variation ID: 1465247). Experimental studies and prediction algorithms are not available or were not evaluated, and the functional significance of this variant is currently unknown. In summary, the available evidence is currently insufficient to determine the role of this variant in disease. Therefore, it has been classified as a Variant of Uncertain Significance.

NM_001243279.3(ACSF3):c.315_316delinsCT (p.Ala106Ser)

Gene: ACSF3 (acyl-CoA synthetase family member 3; plus strand). Cytogenetic location: 16q24.3.
Variant type: Indel.
Coding change: c.315_316delinsCT on transcript NM_001243279.3 (MANE Select); coding-DNA positions 315 to 316, TG replaced by CT.
Protein change: p.Ala106Ser; replaces alanine 106 with serine.
Molecular consequence: missense variant. On other transcripts: non-coding transcript variant (3), intron variant (1).
Genome position (GRCh38, 1-based): chr16:89,100,996-89,100,997, TG replaced by CT. VCF-style: chr16-89100996-TG-CT. GRCh37 (hg19) VCF-style: chr16-89167404-TG-CT.
Other names: c.315_316delinsCT, p.Ala106Ser (NM_001127214.4, NM_174917.5); c.-129-1608_-129-1607delinsCT (NM_001284316.2); short protein forms A106S.
Identifiers: ClinVar variation 1465247 (VCV001465247.3), dbSNP rs2151406892, ClinGen allele CA2573152854.